The following is an entry in ClinVar:

ClinVar aggregate classification (germline): Pathogenic (1 of 4 stars; one submission).

Conditions:
Tuberous sclerosis 2 (TSC2). Identifiers: Orphanet 805, MedGen C1860707, MONDO:0013199, OMIM 613254.

Submission:

Labcorp Genetics (formerly Invitae), Labcorp
Classification: Pathogenic for Tuberous sclerosis 2. Last evaluated: 2025-07-18. Review status: criteria provided, single submitter. Criteria: Invitae Variant Classification Sherloc (09022015). Collection method: clinical testing. Allele origin: germline.
Comment: This sequence change creates a premature translational stop signal (p.Tyr130*) in the TSC2 gene. It is expected to result in an absent or disrupted protein product. Loss-of-function variants in TSC2 are known to be pathogenic (PMID: 10205261, 17304050). This variant is not present in population databases (gnomAD no frequency). This variant has not been reported in the literature in individuals affected with TSC2-related conditions. For these reasons, this variant has been classified as Pathogenic.

Literature cited by the submitters: PubMed 10205261; PubMed 17304050.

NM_000548.5(TSC2):c.390C>G (p.Tyr130Ter)

Gene: TSC2 (TSC complex subunit 2; plus strand). Cytogenetic location: 16p13.3.
Variant type: single nucleotide variant.
Coding change: c.390C>G on transcript NM_000548.5 (MANE Select); coding-DNA position 390, C replaced by G.
Protein change: p.Tyr130Ter; replaces tyrosine 130 with a stop codon.
Molecular consequence: nonsense. On other transcripts: 5 prime UTR variant (14), non-coding transcript variant (5), intron variant (6).
Genome position (GRCh38, 1-based): chr16:2,054,349, C>G. VCF-style: chr16-2054349-C-G. GRCh37 (hg19) VCF-style: chr16-2104350-C-G.
Other names: c.390C>G, p.Tyr130Ter (NM_001077183.3, NM_001114382.3, NM_001363528.2 and 8 more transcripts); c.279C>G, p.Tyr93Ter (NM_001318827.2, NM_001406670.1, NM_001406678.1); c.243C>G, p.Tyr81Ter (NM_001318829.2, NM_001406675.1, NM_001406676.1 and 1 more transcripts); c.423C>G, p.Tyr141Ter (NM_001318832.2); c.480C>G, p.Tyr160Ter (NM_001406667.1, NM_001406668.1); c.333C>G, p.Tyr111Ter (NM_001406677.1); c.-427C>G (NM_001406680.1, NM_001406683.1, NM_001406687.1); c.-56C>G (NM_001406681.1); and 6 more; short protein forms Y141*, Y160*, Y81*, Y93*, Y111*, Y130*.
Identifiers: ClinVar variation 4723423 (VCV004723423.1).